The following is an entry in ClinVar:

ClinVar aggregate classification (germline): Pathogenic. Review status: criteria provided, multiple submitters, no conflicts (2 of 4 stars). 3 submissions from 3 submitters: Pathogenic (2). 1 of the submissions does not count toward it. Last evaluated 2023-04-25.

Conditions:
Hereditary cancer-predisposing syndrome. Also called: Neoplastic Syndromes, Hereditary; Hereditary neoplastic syndrome; Tumor predisposition; Hereditary Cancer Syndrome. Identifiers: Orphanet 140162, MedGen C0027672, MeSH D009386, MONDO:0015356.
Juvenile polyposis syndrome (JPS). Identifiers: Orphanet 2929, MedGen C0345893, MONDO:0017380, OMIM 174900.
Polyposis syndrome, hereditary mixed, 2. Identifiers: Orphanet 157794, MedGen C1864730, MONDO:0012405, OMIM 610069.

Submissions (3):

Labcorp Genetics (formerly Invitae), Labcorp
Classification: Pathogenic for Juvenile polyposis syndrome. Last evaluated: 2023-04-25. Review status: criteria provided, single submitter. Criteria: Invitae Variant Classification Sherloc (09022015). Collection method: clinical testing. Allele origin: germline.
Comment: For these reasons, this variant has been classified as Pathogenic. ClinVar contains an entry for this variant (Variation ID: 1075769). This variant is also known as an 11 bp deletion at codon 42. This premature translational stop signal has been observed in individual(s) with hereditary mixed polyposis syndrome (PMID: 16525031). This variant is not present in population databases (gnomAD no frequency). This sequence change creates a premature translational stop signal (p.Lys43Trpfs*24) in the BMPR1A gene. It is expected to result in an absent or disrupted protein product. Loss-of-function variants in BMPR1A are known to be pathogenic (PMID: 11536076, 12417513).

Ambry Genetics
Classification: Pathogenic for Hereditary cancer-predisposing syndrome. Last evaluated: 2020-01-16. Review status: criteria provided, single submitter. Criteria: Ambry Variant Classification Scheme 2023. Collection method: clinical testing. Allele origin: germline.
Comment: The c.127_137del11 pathogenic mutation, located in coding exon 2 of the BMPR1A gene, results from a deletion of 11 nucleotides at nucleotide positions 127 to 137, causing a translational frameshift with a predicted alternate stop codon (p.K43Wfs*24). This alteration is expected to result in loss of function by premature protein truncation or nonsense-mediated mRNA decay. As such, this alteration is interpreted as a disease-causing mutation.

OMIM
Classification: Pathogenic for POLYPOSIS SYNDROME, HEREDITARY MIXED, 2. Last evaluated: 2006-03-01. Review status: no assertion criteria provided. Collection method: literature only. Allele origin: germline. Not counted in ClinVar's aggregate classification.

Literature cited by the submitters: PubMed 16525031 (cited by 3 submitters); PubMed 11536076 (cited by Labcorp Genetics (formerly Invitae), Labcorp); PubMed 12417513 (cited by Labcorp Genetics (formerly Invitae), Labcorp).

NM_004329.3(BMPR1A):c.127_137del (p.Lys43fs)

Gene: BMPR1A (bone morphogenetic protein receptor type 1A; plus strand). Cytogenetic location: 10q23.2.
Variant type: Deletion.
Coding change: c.127_137del on transcript NM_004329.3 (MANE Select); coding-DNA positions 127 to 137, 11 bases deleted (AAGTCAGAAAA).
Protein change: p.Lys43fs; shifts the reading frame from lysine 43.
Molecular consequence: frameshift variant.
Genome position (GRCh38, 1-based): chr10:86,890,121-86,890,131, AAGTCAGAAAA deleted; deleting any 11 consecutive bases within chr10:86,890,118-86,890,131 gives the same sequence; the c. name uses the placement nearest the transcript's 3' end. VCF-style (leftmost placement, unchanged base first): chr10-86890117-GAAAAAGTCAGA-G. GRCh37 (hg19) VCF-style: chr10-88649874-GAAAAAGTCAGA-G.
Other names: short protein forms K43fs.
Identifiers: ClinVar variation 1075769 (VCV001075769.11), dbSNP rs2133395056, ClinGen allele CA2499220420.